The following is an entry in ClinVar:

NM_001042492.3(NF1):c.5821_5825dup (p.Lys1942delinsAsnTer)

Gene: NF1 (neurofibromin 1; plus strand). Cytogenetic location: 17q11.2.
Variant type: Microsatellite.
Coding change: c.5821_5825dup on transcript NM_001042492.3 (MANE Select); coding-DNA positions 5821 to 5825, 5 bases duplicated (TTGAA; older notation c.5821_5825dupTTGAA).
Protein change: p.Lys1942delinsAsnTer.
Molecular consequence: nonsense. On other transcripts: frameshift variant (1).
Genome position (GRCh38, 1-based): chr17:31,334,846-31,334,850, TTGAA duplicated; duplicating any 5 consecutive bases within chr17:31,334,840-31,334,850 gives the same sequence; the c. name uses the placement nearest the transcript's 3' end. VCF-style (leftmost placement, unchanged base first): chr17-31334839-T-TATTGA. GRCh37 (hg19) VCF-style: chr17-29661857-T-TATTGA.
Other names: c.5753_5757TTGAA[3], p.Lys1921Asnfs (NM_000267.4).
Identifiers: ClinVar variation 1367272 (VCV001367272.6), dbSNP rs2151550241, ClinGen allele CA2580614064.

ClinVar aggregate classification (germline): Pathogenic (1 of 4 stars; one submission).

Conditions:
Neurofibromatosis, type 1 (NF1). Also called: Peripheral type neurofibromatosis; Neurofibromatosis, type I; NEUROFIBROMATOSIS, TYPE I, SOMATIC; VON RECKLINGHAUSEN DISEASE. Identifiers: Orphanet 636, MedGen C0027831, MONDO:0018975, OMIM 162200. Disease mechanism: loss of function.

Submission:

Labcorp Genetics (formerly Invitae), Labcorp
Classification: Pathogenic for Neurofibromatosis, type 1. Last evaluated: 2021-01-12. Review status: criteria provided, single submitter. Criteria: Invitae Variant Classification Sherloc (09022015). Collection method: clinical testing. Allele origin: germline.
Comment: For these reasons, this variant has been classified as Pathogenic. This variant has not been reported in the literature in individuals with NF1-related conditions. This variant is not present in population databases (ExAC no frequency). This sequence change creates a premature translational stop signal (p.Lys1921Asnfs*2) in the NF1 gene. It is expected to result in an absent or disrupted protein product. Loss-of-function variants in NF1 are known to be pathogenic (PMID: 10712197, 23913538).

Literature cited by the submitters: PubMed 10712197; PubMed 23913538.